The following is an entry in ClinVar:

NM_001267550.2(TTN):c.75035G>A (p.Arg25012Gln)

Genes: TTN (titin; minus strand), TTN-AS1 (TTN antisense RNA 1; plus strand). Cytogenetic location: 2q31.2.
Variant type: single nucleotide variant.
Coding change: c.75035G>A on transcript NM_001267550.2 (MANE Select); coding-DNA position 75035, G replaced by A.
Protein change: p.Arg25012Gln; replaces arginine 25012 with glutamine.
Molecular consequence: missense variant.
Genome position (GRCh38, 1-based): chr2:178,571,097, C>T on the plus strand (G>A on the coding strand, the complement: TTN is on the minus strand). VCF-style: chr2-178571097-C-T. GRCh37 (hg19) VCF-style: chr2-179435824-C-T.
Other names: c.70112G>A, p.Arg23371Gln (NM_001256850.1); c.47840G>A, p.Arg15947Gln (NM_003319.4); c.67331G>A, p.Arg22444Gln (NM_133378.4); c.48215G>A, p.Arg16072Gln (NM_133432.3); c.48416G>A, p.Arg16139Gln (NM_133437.4); short protein forms R15947Q, R25012Q, R16072Q, R16139Q, R22444Q, R23371Q.
Identifiers: ClinVar variation 519107 (VCV000519107.6), dbSNP rs866517435, ClinGen allele CA60996584.

ClinVar aggregate classification (germline): Conflicting classifications of pathogenicity. Review status: criteria provided, conflicting classifications (1 of 4 stars). 2 submissions from 2 submitters: Uncertain significance (1); Likely benign (1). Last evaluated 2022-10-04.

Conditions:
Cardiovascular phenotype. Identifiers: MedGen CN230736.

Allele frequency attached by ClinVar (database versions not stated): gnomAD exomes below 0.00001 and 0.00002; gnomAD 0.00001; TOPMed 0.00001.
gnomAD v4.1: 33 of 1,613,236 alleles (0.002%); highest among the groups gnomAD compares: African/African-American, 0.0027%; no homozygotes.

Submissions (2):

Blueprint Genetics
Classification: Likely benign. Last evaluated: 2022-10-04. Review status: criteria provided, single submitter. Criteria: ACMG Guidelines, 2015. Collection method: clinical testing. Allele origin: germline.

Ambry Genetics
Classification: Uncertain significance for Cardiovascular phenotype. Last evaluated: 2016-09-10. Review status: criteria provided, single submitter. Criteria: Ambry Variant Classification Scheme 2023. Collection method: clinical testing. Allele origin: germline.
Comment: The p.R15947Q variant (also known as c.47840G>A), located in coding exon 153 of the TTN gene, results from a G to A substitution at nucleotide position 47840. The arginine at codon 15947 is replaced by glutamine, an amino acid with highly similar properties, and is located in the A-band region of the N2-B isoform of the titin protein. This variant was not reported in population based cohorts in the following databases: Database of Single Nucleotide Polymorphisms (dbSNP), NHLBI Exome Sequencing Project (ESP), and 1000 Genomes Project. In the ESP, this variant was not observed in 6135 samples (12270 alleles) with coverage at this position. This amino acid position is not well conserved in available vertebrate species. In addition, this alteration is predicted to be tolerated by in silico analysis. Since supporting evidence is limited at this time, the clinical significance of this alteration remains unclear.